The following is an entry in ClinVar:

ClinVar aggregate classification (germline): Conflicting classifications of pathogenicity. Review status: criteria provided, conflicting classifications (1 of 4 stars). 2 submissions from 2 submitters: Uncertain significance (1); Likely benign (1). Last evaluated 2022-02-18.

Conditions:
Familial hypocalciuric hypercalcemia (FHH). Also called: Familial benign hypercalcemia. Identifiers: Orphanet 405, MedGen C1809471, MONDO:0018458.
Autosomal dominant hypocalcemia 1 (HYPOC1). Also called: HYPOCALCEMIA, FAMILIAL. Identifiers: MedGen C3715128, MONDO:0011013, OMIM 601198.
Nephrolithiasis/nephrocalcinosis. Identifiers: MedGen CN580796.

Submissions (2):

Labcorp Genetics (formerly Invitae), Labcorp
Classification: Uncertain significance for Familial hypocalciuric hypercalcemia; Autosomal dominant hypocalcemia 1. Last evaluated: 2022-02-18. Review status: criteria provided, single submitter. Criteria: Invitae Variant Classification Sherloc (09022015). Collection method: clinical testing. Allele origin: germline.
Comment: In summary, the available evidence is currently insufficient to determine the role of this variant in disease. Therefore, it has been classified as a Variant of Uncertain Significance. Algorithms developed to predict the effect of missense changes on protein structure and function output the following: SIFT: "Tolerated"; PolyPhen-2: "Benign"; Align-GVGD: "Class C0". The histidine amino acid residue is found in multiple mammalian species, which suggests that this missense change does not adversely affect protein function. This variant has not been reported in the literature in individuals affected with CASR-related conditions. This variant is not present in population databases (gnomAD no frequency). This sequence change replaces glutamine, which is neutral and polar, with histidine, which is basic and polar, at codon 1040 of the CASR protein (p.Gln1040His).

Ambry Genetics
Classification: Likely benign for Nephrolithiasis/nephrocalcinosis. Last evaluated: 2021-11-11. Review status: criteria provided, single submitter. Criteria: Ambry Variant Classification Scheme 2023. Collection method: clinical testing. Allele origin: germline.

NM_000388.4(CASR):c.3120G>T (p.Gln1040His)

Gene: CASR (calcium sensing receptor; plus strand). Cytogenetic location: 3q21.1.
Variant type: single nucleotide variant.
Coding change: c.3120G>T on transcript NM_000388.4 (MANE Select); coding-DNA position 3120, G replaced by T.
Protein change: p.Gln1040His; replaces glutamine 1040 with histidine.
Molecular consequence: missense variant.
Genome position (GRCh38, 1-based): chr3:122,285,074, G>T. VCF-style: chr3-122285074-G-T. GRCh37 (hg19) VCF-style: chr3-122003921-G-T.
Other names: c.3150G>T, p.Gln1050His (NM_001178065.2); short protein forms Q1040H, Q1050H.
Identifiers: ClinVar variation 1515471 (VCV001515471.10), dbSNP rs2107651962, ClinGen allele CA354161478.